The following is an entry in ClinVar:

ClinVar aggregate classification (germline): Uncertain significance (1 of 4 stars; one submission).

Submission:

GeneDx
Classification: Uncertain significance. Last evaluated: 2023-09-26. Review status: criteria provided, single submitter. Criteria: GeneDx Variant Classification Process June 2021. Collection method: clinical testing. Allele origin: germline. Affected: yes.
Comment: Nonsense variant predicted to result in protein truncation or nonsense mediated decay in a gene for which loss-of-function is not a known mechanism of disease; Not observed at significant frequency in large population cohorts (gnomAD); Has not been previously published as pathogenic or benign to our knowledge; Variants in candidate genes are classified as variants of uncertain significance in accordance with ACMG guidelines (Richards et al., 2015)

NM_002828.4(PTPN2):c.66C>G (p.Tyr22Ter)

Gene: PTPN2 (protein tyrosine phosphatase non-receptor type 2; minus strand). Cytogenetic location: 18p11.21.
Variant type: single nucleotide variant.
Coding change: c.66C>G on transcript NM_002828.4 (MANE Select); coding-DNA position 66, C replaced by G.
Protein change: p.Tyr22Ter; replaces tyrosine 22 with a stop codon.
Molecular consequence: nonsense.
Genome position (GRCh38, 1-based): chr18:12,884,076, G>C on the plus strand (C>G on the coding strand, the complement: PTPN2 is on the minus strand). VCF-style: chr18-12884076-G-C. GRCh37 (hg19) VCF-style: chr18-12884075-G-C.
Other names: c.66C>G, p.Tyr22Ter (NM_001207013.2, NM_080422.3, NM_080423.3); short protein forms Y22*.
Identifiers: ClinVar variation 3767642 (VCV003767642.1).